The following is an entry in ClinVar:

ClinVar aggregate classification (germline): Uncertain significance (1 of 4 stars; one submission).

Conditions:
Ulnar-mammary syndrome (UMS). Also called: SCHINZEL SYNDROME; PALLISTER ULNAR-MAMMARY SYNDROME; Ulnar-mammary syndrome of Pallister. Identifiers: Orphanet 3138, MedGen C1866994, MONDO:0008411, OMIM 181450.

Submission:

Victorian Clinical Genetics Services, Murdoch Childrens Research Institute
Classification: Uncertain significance for Ulnar-mammary syndrome. Last evaluated: 2025-10-08. Review status: criteria provided, single submitter. Criteria: ACMG Guidelines, 2015. Collection method: clinical testing. Allele origin: germline. Affected: yes.
Comment: This variant is classified as VUS-3A. Evidence in support of pathogenic classification: Variant is absent from gnomAD (v2, v3 and v4); Missense variant predicted to be damaging by in silico tool(s) or highly conserved with a major amino acid change; Additional information: Variant is predicted to result in a missense amino acid change from Val to Leu; This variant is heterozygous; This gene is associated with autosomal dominant disease; This variant has no previous evidence of pathogenicity; No published evidence of segregation with disease has been identified for this variant; No published functional evidence has been identified for this variant; No comparable missense variants have previous evidence for pathogenicity; Variant is located in the annotated T-box domain (DECIPHER); Loss of function is a known mechanism of disease in this gene and is associated with ulnar-mammary syndrome (MIM#181450); Variants in this gene are known to have variable expressivity. Intra and inter familial variability has been reported (PMID: 28145909, 39788453).

Literature cited by the submitters: PubMed 28145909; PubMed 39788453.

NM_005996.4(TBX3):c.313G>T (p.Val105Leu)

Genes: TBX3-AS1 (TBX3 antisense RNA 1; plus strand), TBX3 (T-box transcription factor 3; minus strand). Cytogenetic location: 12q24.21.
Variant type: single nucleotide variant.
Coding change: c.313G>T on transcript NM_005996.4 (MANE Select); coding-DNA position 313, G replaced by T.
Protein change: p.Val105Leu; replaces valine 105 with leucine.
Molecular consequence: missense variant.
Genome position (GRCh38, 1-based): chr12:114,682,888, C>A on the plus strand (G>T on the coding strand, the complement: TBX3 is on the minus strand). VCF-style: chr12-114682888-C-A. GRCh37 (hg19) VCF-style: chr12-115120693-C-A.
Other names: c.313G>T, p.Val105Leu (NM_016569.4); short protein forms V105L.
Identifiers: ClinVar variation 4531383 (VCV004531383.1).